The following is an entry in ClinVar:

NM_001201543.2(FAM161A):c.449del (p.His150fs)

Gene: FAM161A (FAM161 centrosomal protein A; minus strand). Cytogenetic location: 2p15.
Variant type: Deletion.
Coding change: c.449del on transcript NM_001201543.2 (MANE Select); coding-DNA position 449, one base deleted (A; older notation c.449delA).
Protein change: p.His150fs; shifts the reading frame from histidine 150.
Molecular consequence: frameshift variant.
Genome position (GRCh38, 1-based): chr2:61,840,555, T deleted on the plus strand (A on the coding strand, the reverse complement: FAM161A is on the minus strand). VCF-style (leftmost placement, unchanged base first): chr2-61840554-GT-G. GRCh37 (hg19) VCF-style: chr2-62067689-GT-G.
Other names: c.449del, p.His150fs (NM_032180.3); c.449del (NM_001201543.1); short protein forms H150fs.
Identifiers: ClinVar variation 2009553 (VCV002009553.5), dbSNP rs1672982825, ClinGen allele CA1031386215.

ClinVar aggregate classification (germline): Pathogenic/Likely pathogenic. Review status: criteria provided, multiple submitters, no conflicts (2 of 4 stars). 2 submissions from 2 submitters: Pathogenic (1); Likely pathogenic (1). Last evaluated 2023-10-10.

Conditions:
Retinitis pigmentosa 28 (RP28). Identifiers: Orphanet 791, MedGen C1419614, MONDO:0011630, OMIM 606068.

Allele frequency attached by ClinVar (database versions not stated): TOPMed below 0.00001; gnomAD 0.00001.

Submissions (2):

Baylor Genetics
Classification: Likely pathogenic for Retinitis pigmentosa 28. Last evaluated: 2023-10-10. Review status: criteria provided, single submitter. Criteria: ACMG Guidelines, 2015. Collection method: clinical testing. Allele origin: unknown.

Labcorp Genetics (formerly Invitae), Labcorp
Classification: Pathogenic. Last evaluated: 2022-06-23. Review status: criteria provided, single submitter. Criteria: Invitae Variant Classification Sherloc (09022015). Collection method: clinical testing. Allele origin: germline.
Comment: This sequence change creates a premature translational stop signal (p.His150Profs*5) in the FAM161A gene. It is expected to result in an absent or disrupted protein product. Loss-of-function variants in FAM161A are known to be pathogenic (PMID: 20705278, 20705279, 24651477). This variant is not present in population databases (gnomAD no frequency). For these reasons, this variant has been classified as Pathogenic. This variant has not been reported in the literature in individuals affected with FAM161A-related conditions.

Literature cited by the submitters: PubMed 20705278 (cited by Labcorp Genetics (formerly Invitae), Labcorp); PubMed 20705279 (cited by Labcorp Genetics (formerly Invitae), Labcorp); PubMed 24651477 (cited by Labcorp Genetics (formerly Invitae), Labcorp).